The following is an entry in ClinVar:

NM_000381.4(MID1):c.769C>T (p.Arg257Cys)

Gene: MID1 (midline 1; minus strand). Cytogenetic location: Xp22.2.
Variant type: single nucleotide variant.
Coding change: c.769C>T on transcript NM_000381.4 (MANE Select); coding-DNA position 769, C replaced by T.
Protein change: p.Arg257Cys; replaces arginine 257 with cysteine.
Molecular consequence: missense variant.
Genome position (GRCh38, 1-based): chrX:10,495,679, G>A on the plus strand (C>T on the coding strand, the complement: MID1 is on the minus strand). VCF-style: chrX-10495679-G-A. GRCh37 (hg19) VCF-style: chrX-10463719-G-A.
Other names: c.769C>T, p.Arg257Cys (NM_001098624.2, NM_001193277.1, NM_001193279.1 and 2 more transcripts); c.922C>T, p.Arg308Cys (NM_001193278.1); c.655C>T, p.Arg219Cys (NM_001193280.1, NM_033289.2); short protein forms R219C, R308C, R257C.
Identifiers: ClinVar variation 4107892 (VCV004107892.3).
Genomic context (GRCh38, chrX:10,495,679, plus strand): 5'-GTCTTTGCTGAATGATCTCAATGAGAAGATCACACTCCTCTGTCAATTTGGCTTCTTGAC[G>A]TGATGCATTGACCTACAGGATAAGTACAATGGTAAGTGTTAATTTGGCCTTTGTTTTTCA-3'
Protein context (NP_000372.1, residues 247-267): TCQHVEVNAS[Arg257Cys]QEAKLTEECD

ClinVar aggregate classification (germline): Conflicting classifications of pathogenicity. Review status: criteria provided, conflicting classifications (1 of 4 stars). 2 submissions from 2 submitters: Uncertain significance (1); Likely benign (1). Last evaluated 2026-04-01.

Conditions:
Inborn genetic diseases. Identifiers: MedGen C0950123, MeSH D030342.

Submissions (2):

CeGaT Center for Human Genetics Tuebingen
Classification: Likely benign. Last evaluated: 2026-04-01. Review status: criteria provided, single submitter. Criteria: CeGaT Center For Human Genetics Tuebingen Variant Classification Criteria Version 2. Collection method: clinical testing. Allele origin: germline. Affected: yes. Observed: 1 variant allele.
Comment: MID1: BS2

Ambry Genetics
Classification: Uncertain significance for Inborn genetic diseases. Last evaluated: 2025-08-13. Review status: criteria provided, single submitter. Criteria: Ambry Variant Classification Scheme 2023. Collection method: clinical testing. Allele origin: germline.